The following is an entry in ClinVar:

NM_177438.3(DICER1):c.1144G>A (p.Glu382Lys)

Gene: DICER1 (dicer 1, ribonuclease III; minus strand). Cytogenetic location: 14q32.13.
Variant type: single nucleotide variant.
Coding change: c.1144G>A on transcript NM_177438.3 (MANE Select); coding-DNA position 1144, G replaced by A.
Protein change: p.Glu382Lys; replaces glutamic acid 382 with lysine.
Molecular consequence: missense variant.
Genome position (GRCh38, 1-based): chr14:95,124,428, C>T on the plus strand (G>A on the coding strand, the complement: DICER1 is on the minus strand). VCF-style: chr14-95124428-C-T. GRCh37 (hg19) VCF-style: chr14-95590765-C-T.
Other names: c.1144G>A, p.Glu382Lys (NM_001195573.1, NM_001271282.3, NM_001291628.2 and 1 more transcripts); short protein forms E382K.
Identifiers: ClinVar variation 944370 (VCV000944370.14), dbSNP rs886037667, ClinGen allele CA390886869.
Genomic context (GRCh38, chr14:95,124,428, plus strand): 5'-TATACCACTCAACGCTTTCAAACTGCTGTCGCTCATATGGTTTATATTTGCGTAAGATTT[C>T]GAGCAGTTTGATTACTTTAGGAGTTACAAATTTCAGGTCAAGTGAGGCAGGTGAGAAGTG-3'
Protein context (NP_803187.1, residues 372-392): FVTPKVIKLL[Glu382Lys]ILRKYKPYER

ClinVar aggregate classification (germline): Uncertain significance. Review status: criteria provided, multiple submitters, no conflicts (2 of 4 stars). 2 submissions from 2 submitters: Uncertain significance (2). Last evaluated 2025-04-07.

Conditions:
DICER1-related tumor predisposition. Also called: DICER1-related pleuropulmonary blastoma cancer predisposition syndrome; DICER1 syndrome. Identifiers: Orphanet 284343, MedGen C3839822, MONDO:0100216.
Hereditary cancer-predisposing syndrome. Also called: Neoplastic Syndromes, Hereditary; Hereditary neoplastic syndrome; Hereditary Cancer Syndrome; Tumor predisposition. Identifiers: Orphanet 140162, MedGen C0027672, MeSH D009386, MONDO:0015356.

Allele frequency attached by ClinVar (database versions not stated): gnomAD exomes below 0.00001 and 0.00001.
gnomAD v4.1: 8 of 1,614,074 alleles (0.0005%); highest among the groups gnomAD compares: South Asian, 0.0011%; no homozygotes.

Submissions (2):

Ambry Genetics
Classification: Uncertain significance for Hereditary cancer-predisposing syndrome. Last evaluated: 2025-04-07. Review status: criteria provided, single submitter. Criteria: Ambry Variant Classification Scheme 2023. Collection method: clinical testing. Allele origin: germline.
Comment: The p.E382K variant (also known as c.1144G>A), located in coding exon 7 of the DICER1 gene, results from a G to A substitution at nucleotide position 1144. The glutamic acid at codon 382 is replaced by lysine, an amino acid with similar properties. This amino acid position is highly conserved in available vertebrate species. In addition, the in silico prediction for this alteration is inconclusive. Based on the available evidence, the clinical significance of this variant remains unclear.

Labcorp Genetics (formerly Invitae), Labcorp
Classification: Uncertain significance for DICER1-related tumor predisposition. Last evaluated: 2023-07-25. Review status: criteria provided, single submitter. Criteria: Invitae Variant Classification Sherloc (09022015). Collection method: clinical testing. Allele origin: germline.
Comment: In summary, the available evidence is currently insufficient to determine the role of this variant in disease. Therefore, it has been classified as a Variant of Uncertain Significance. Advanced modeling of protein sequence and biophysical properties (such as structural, functional, and spatial information, amino acid conservation, physicochemical variation, residue mobility, and thermodynamic stability) performed at Invitae indicates that this missense variant is not expected to disrupt DICER1 protein function. ClinVar contains an entry for this variant (Variation ID: 944370). This variant is present in population databases (no rsID available, gnomAD 0.01%). This sequence change replaces glutamic acid, which is acidic and polar, with lysine, which is basic and polar, at codon 382 of the DICER1 protein (p.Glu382Lys). This variant has not been reported in the literature in individuals affected with DICER1-related conditions.